The following is an entry in ClinVar:

NM_000138.5(FBN1):c.6315G>A (p.Glu2105=)

Gene: FBN1 (fibrillin 1; minus strand). Cytogenetic location: 15q21.1.
Variant type: single nucleotide variant.
Coding change: c.6315G>A on transcript NM_000138.5 (MANE Select); coding-DNA position 6315, G replaced by A.
Protein change: p.Glu2105=; no amino-acid change (glutamic acid 2105 retained).
Molecular consequence: synonymous variant.
Genome position (GRCh38, 1-based): chr15:48,437,386, C>T on the plus strand (G>A on the coding strand, the complement: FBN1 is on the minus strand). VCF-style: chr15-48437386-C-T. GRCh37 (hg19) VCF-style: chr15-48729583-C-T.
Identifiers: ClinVar variation 747326 (VCV000747326.13), dbSNP rs1478813051, ClinGen allele CA490019288.

ClinVar aggregate classification (germline): Conflicting classifications of pathogenicity. Review status: criteria provided, conflicting classifications (1 of 4 stars). 5 submissions from 5 submitters: Uncertain significance (1); Likely benign (4). Last evaluated 2024-10-27.

Conditions:
Marfan syndrome (MFS). Also called: MARFAN SYNDROME, TYPE I; FBN1-Related Marfan Syndrome; Marfan syndrome type 1; Marfan's syndrome; Marfan syndrome, classic. Identifiers: Orphanet 284963, Orphanet 558, MedGen C0024796, MONDO:0007947, OMIM 154700.
Familial thoracic aortic aneurysm and aortic dissection (TAAD). Also called: Thoracic aortic aneurysms and dissections. Identifiers: Orphanet 91387, MedGen C4707243, MONDO:0019625.

Allele frequency attached by ClinVar (database versions not stated): gnomAD 0.00001; TOPMed 0.00003.
gnomAD v4.1: 2 of 1,612,300 alleles (0.00012%); highest among the groups gnomAD compares: African/African-American, 0.0027%; no homozygotes.

Submissions (5):

Ambry Genetics
Classification: Likely benign for Familial thoracic aortic aneurysm and aortic dissection. Last evaluated: 2024-10-27. Review status: criteria provided, single submitter. Criteria: Ambry Variant Classification Scheme 2023. Collection method: clinical testing. Allele origin: germline.

Labcorp Genetics (formerly Invitae), Labcorp
Classification: Likely benign for Marfan syndrome; Familial thoracic aortic aneurysm and aortic dissection. Last evaluated: 2023-10-14. Review status: criteria provided, single submitter. Criteria: Invitae Variant Classification Sherloc (09022015). Collection method: clinical testing. Allele origin: germline.

All of Us Research Program, National Institutes of Health
Classification: Likely benign for Marfan syndrome. Last evaluated: 2023-09-05. Review status: criteria provided, single submitter. Criteria: ACMG Guidelines, 2015. Collection method: clinical testing. Allele origin: germline. Inheritance: Autosomal dominant inheritance. Observed: 2 variant alleles, 2 heterozygotes.
Comment: This study involves interpretation of variants in research participants for the purpose of population health screening. Participant phenotype was not available at the time of variant classification. Additional details can be found in publication PMID: 35346344, PMCID: PMC8962531

Color Diagnostics, LLC DBA Color Health
Classification: Likely benign for Familial thoracic aortic aneurysm and aortic dissection. Last evaluated: 2018-12-14. Review status: criteria provided, single submitter. Criteria: ACMG Guidelines, 2015. Collection method: clinical testing. Allele origin: germline.

Baylor Genetics
Classification: Uncertain significance for Marfan syndrome. Last evaluated: 2018-06-29. Review status: criteria provided, single submitter. Criteria: ACMG Guidelines, 2015. Collection method: clinical testing. Allele origin: paternal. Affected: yes.
Comment: This variant was determined to be of uncertain significance according to ACMG Guidelines, 2015 [PMID:25741868].